The following is an entry in ClinVar:

NM_001379110.1(SLC9A6):c.682C>T (p.Leu228Phe)

Gene: SLC9A6 (solute carrier family 9 member A6; plus strand). Cytogenetic location: Xq26.3.
Variant type: single nucleotide variant.
Coding change: c.682C>T on transcript NM_001379110.1 (MANE Select); coding-DNA position 682, C replaced by T.
Protein change: p.Leu228Phe; replaces leucine 228 with phenylalanine.
Molecular consequence: missense variant.
Genome position (GRCh38, 1-based): chrX:136,002,152, C>T. VCF-style: chrX-136002152-C-T. GRCh37 (hg19) VCF-style: chrX-135084311-C-T.
Other names: c.742C>T, p.Leu248Phe (NM_006359.3); c.838C>T, p.Leu280Phe (NM_001042537.2); c.682C>T, p.Leu228Phe (NM_001177651.2); c.586C>T, p.Leu196Phe (NM_001330652.2); short protein forms L280F, L228F, L248F, L196F.
Identifiers: ClinVar variation 1409976 (VCV001409976.6), dbSNP rs2148156546, ClinGen allele CA414750425.

ClinVar aggregate classification (germline): Uncertain significance (1 of 4 stars; one submission).

Conditions:
Christianson syndrome (MRXSCH). Also called: X-linked mental retardation, syndromic, Christianson type; SLC9A6-Related Syndromic Mental Retardation; INTELLECTUAL DEVELOPMENTAL DISORDER, X-LINKED, SYNDROMIC, CHRISTIANSON TYPE. Identifiers: Orphanet 85278, MedGen C2678194, MONDO:0010278, OMIM 300243.

Submission:

Labcorp Genetics (formerly Invitae), Labcorp
Classification: Uncertain significance for Christianson syndrome. Last evaluated: 2021-08-07. Review status: criteria provided, single submitter. Criteria: Invitae Variant Classification Sherloc (09022015). Collection method: clinical testing. Allele origin: germline.
Comment: In summary, the available evidence is currently insufficient to determine the role of this variant in disease. Therefore, it has been classified as a Variant of Uncertain Significance. Algorithms developed to predict the effect of missense changes on protein structure and function are either unavailable or do not agree on the potential impact of this missense change (SIFT: "Deleterious"; PolyPhen-2: "Probably Damaging"; Align-GVGD: "Class C15"). This variant has not been reported in the literature in individuals affected with SLC9A6-related conditions. This variant is not present in population databases (ExAC no frequency). This sequence change replaces leucine with phenylalanine at codon 248 of the SLC9A6 protein (p.Leu248Phe). The leucine residue is highly conserved and there is a small physicochemical difference between leucine and phenylalanine.